The following is an entry in ClinVar:

NM_001377540.1(SLMAP):c.1953A>C (p.Gln651His)

Gene: SLMAP (sarcolemma associated protein; plus strand). Cytogenetic location: 3p14.3.
Variant type: single nucleotide variant.
Coding change: c.1953A>C on transcript NM_001377540.1 (MANE Select); coding-DNA position 1953, A replaced by C.
Protein change: p.Gln651His; replaces glutamine 651 with histidine.
Molecular consequence: missense variant. On other transcripts: non-coding transcript variant (1).
Genome position (GRCh38, 1-based): chr3:57,912,634, A>C. VCF-style: chr3-57912634-A-C. GRCh37 (hg19) VCF-style: chr3-57898361-A-C.
Other names: c.1902A>C, p.Gln634His (NM_001304420.3, NM_001377541.1, NM_001377542.1); c.1788A>C, p.Gln596His (NM_001304421.2, NM_001377557.1, NM_001377559.1); c.504A>C, p.Gln168His (NM_001304422.3, NM_001311178.2); c.306A>C, p.Gln102His (NM_001304423.3); c.381A>C, p.Gln127His (NM_001311179.2, NM_001377926.1, NM_001377927.1 and 1 more transcripts); c.1974A>C, p.Gln658His (NM_001377538.1); c.1953A>C, p.Gln651His (NM_001377539.1); c.1890A>C, p.Gln630His (NM_001377545.1); and 8 more; short protein forms Q168H, Q572H, Q596H, Q589H, Q593H, Q610H, Q658H, Q102H.
Identifiers: ClinVar variation 2447995 (VCV002447995.3), dbSNP rs1269672891, ClinGen allele CA353408761.

ClinVar aggregate classification (germline): Uncertain significance (1 of 4 stars; one submission).

Allele frequency attached by ClinVar (database versions not stated): gnomAD 0.00001; TOPMed 0.00001.
gnomAD v4.1: 1 of 1,614,034 alleles (0.000062%); highest among the groups gnomAD compares: African/African-American, 0.0013%; no homozygotes.

Submission:

Ambry Genetics
Classification: Uncertain significance. Last evaluated: 2025-05-08. Review status: criteria provided, single submitter. Criteria: Ambry Variant Classification Scheme 2023. Collection method: clinical testing. Allele origin: germline.
Comment: The p.Q617H variant (also known as c.1851A>C), located in coding exon 17 of the SLMAP gene, results from an A to C substitution at nucleotide position 1851. The glutamine at codon 617 is replaced by histidine, an amino acid with highly similar properties. This amino acid position is conserved. In addition, this alteration is predicted to be tolerated by in silico analysis. Since supporting evidence is limited at this time, the clinical significance of this alteration remains unclear.